The following is an entry in ClinVar:

ClinVar aggregate classification (germline): Uncertain significance. Review status: criteria provided, multiple submitters, no conflicts (2 of 4 stars). 3 submissions from 3 submitters: Uncertain significance (3). Last evaluated 2022-04-01.

Conditions:
Apparent mineralocorticoid excess (AME). Also called: CORTISOL 11-BETA-KETOREDUCTASE DEFICIENCY. Identifiers: Orphanet 320, MedGen C0342488, MONDO:0009025, OMIM 218030.

Allele frequency attached by ClinVar (database versions not stated): ExAC 0.00002; gnomAD 0.00003; gnomAD exomes 0.00003; TOPMed 0.00003; ESP Exome Variant Server 0.00015; 1000 Genomes Project 30x 0.00016; 1000 Genomes Project 0.00020.
gnomAD v4.1: 22 of 1,614,060 alleles (0.0014%); highest among the groups gnomAD compares: African/African-American, 0.004%; no homozygotes.

Submissions (3):

Fulgent Genetics
Classification: Uncertain significance for Apparent mineralocorticoid excess. Last evaluated: 2022-04-01. Review status: criteria provided, single submitter. Criteria: ACMG Guidelines, 2015. Collection method: clinical testing. Allele origin: unknown.

GeneDx
Classification: Uncertain significance. Last evaluated: 2021-04-07. Review status: criteria provided, single submitter. Criteria: GeneDx Variant Classification Process June 2021. Collection method: clinical testing. Allele origin: germline. Affected: yes.
Comment: In silico analysis supports that this missense variant has a deleterious effect on protein structure/function; Has not been previously published as pathogenic or benign to our knowledge

Athena Diagnostics
Classification: Uncertain significance. Last evaluated: 2019-05-09. Review status: criteria provided, single submitter. Criteria: Athena Diagnostics Criteria. Collection method: clinical testing. Allele origin: germline.

NM_000196.4(HSD11B2):c.949G>A (p.Asp317Asn)

Gene: HSD11B2 (hydroxysteroid 11-beta dehydrogenase 2; plus strand). Cytogenetic location: 16q22.1.
Variant type: single nucleotide variant.
Coding change: c.949G>A on transcript NM_000196.4 (MANE Select); coding-DNA position 949, G replaced by A.
Protein change: p.Asp317Asn; replaces aspartic acid 317 with asparagine.
Molecular consequence: missense variant.
Genome position (GRCh38, 1-based): chr16:67,436,734, G>A. VCF-style: chr16-67436734-G-A. GRCh37 (hg19) VCF-style: chr16-67470637-G-A.
Other names: short protein forms D317N.
Identifiers: ClinVar variation 804920 (VCV000804920.4), dbSNP rs147758873, ClinGen allele CA8110786.